The following is an entry in ClinVar:

NM_021784.5(FOXA2):c.1306A>C (p.Lys436Gln)

Gene: FOXA2 (forkhead box A2; minus strand). Cytogenetic location: 20p11.21.
Variant type: single nucleotide variant.
Coding change: c.1306A>C on transcript NM_021784.5 (MANE Select); coding-DNA position 1306, A replaced by C.
Protein change: p.Lys436Gln; replaces lysine 436 with glutamine.
Molecular consequence: missense variant.
Genome position (GRCh38, 1-based): chr20:22,581,936, T>G on the plus strand (A>C on the coding strand, the complement: FOXA2 is on the minus strand). VCF-style: chr20-22581936-T-G. GRCh37 (hg19) VCF-style: chr20-22562574-T-G.
Other names: c.1288A>C, p.Lys430Gln (NM_153675.3); short protein forms K430Q, K436Q.
Identifiers: ClinVar variation 4709163 (VCV004709163.1).

ClinVar aggregate classification (germline): Uncertain significance (1 of 4 stars; one submission).

gnomAD v4.1: 199 of 1,611,056 alleles (0.012%); highest among the groups gnomAD compares: Non-Finnish European, 0.015%; 1 homozygote.

Submission:

Labcorp Genetics (formerly Invitae), Labcorp
Classification: Uncertain significance. Last evaluated: 2025-04-07. Review status: criteria provided, single submitter. Criteria: Invitae Variant Classification Sherloc (09022015). Collection method: clinical testing. Allele origin: germline.
Comment: This sequence change replaces lysine, which is basic and polar, with glutamine, which is neutral and polar, at codon 436 of the FOXA2 protein (p.Lys436Gln). This variant is present in population databases (rs769189984, gnomAD 0.009%). This variant has not been reported in the literature in individuals affected with FOXA2-related conditions. An algorithm developed to predict the effect of missense changes on protein structure and function (PolyPhen-2) suggests that this variant is likely to be disruptive. In summary, the available evidence is currently insufficient to determine the role of this variant in disease. Therefore, it has been classified as a Variant of Uncertain Significance.